The following is an entry in ClinVar:

ClinVar aggregate classification (germline): Uncertain significance (1 of 4 stars; one submission).

Allele frequency attached by ClinVar (database versions not stated): gnomAD 0.00001.
gnomAD v4.1: 1 of 1,613,994 alleles (0.000062%); highest among the groups gnomAD compares: African/African-American, 0.0013%; no homozygotes.

Submission:

Labcorp Genetics (formerly Invitae), Labcorp
Classification: Uncertain significance. Last evaluated: 2021-08-11. Review status: criteria provided, single submitter. Criteria: Invitae Variant Classification Sherloc (09022015). Collection method: clinical testing. Allele origin: germline.
Comment: In summary, the available evidence is currently insufficient to determine the role of this variant in disease. Therefore, it has been classified as a Variant of Uncertain Significance. Algorithms developed to predict the effect of missense changes on protein structure and function are either unavailable or do not agree on the potential impact of this missense change (SIFT: "Tolerated"; PolyPhen-2: "Probably Damaging"; Align-GVGD: "Class C0"). This variant has not been reported in the literature in individuals affected with PRPF3-related conditions. This variant is not present in population databases (ExAC no frequency). This sequence change replaces alanine with threonine at codon 516 of the PRPF3 protein (p.Ala516Thr). The alanine residue is highly conserved and there is a small physicochemical difference between alanine and threonine.

NM_004698.4(PRPF3):c.1546G>A (p.Ala516Thr)

Gene: PRPF3 (pre-mRNA processing factor 3; plus strand). Cytogenetic location: 1q21.2.
Variant type: single nucleotide variant.
Coding change: c.1546G>A on transcript NM_004698.4 (MANE Select); coding-DNA position 1546, G replaced by A.
Protein change: p.Ala516Thr; replaces alanine 516 with threonine.
Molecular consequence: missense variant. On other transcripts: non-coding transcript variant (4).
Genome position (GRCh38, 1-based): chr1:150,344,453, G>A. VCF-style: chr1-150344453-G-A. GRCh37 (hg19) VCF-style: chr1-150316929-G-A.
Other names: c.1141G>A, p.Ala381Thr (NM_001350529.1); short protein forms A516T, A381T.
Identifiers: ClinVar variation 1370780 (VCV001370780.6), dbSNP rs1658084153, ClinGen allele CA342283068.